The following is an entry in ClinVar:

ClinVar aggregate classification (germline): Benign (1 of 4 stars; one submission).

Conditions:
Familial hyperaldosteronism type III. Also called: FH III; Familial hyperaldosteronism type 3. Identifiers: Orphanet 251274, MedGen C3838758, MONDO:0013359, OMIM 613677.

Allele frequency attached by ClinVar (database versions not stated): gnomAD 0.00016 and 0.00024; TOPMed 0.00029; 1000 Genomes Project 0.00120; 1000 Genomes Project 30x 0.00125.

Submission:

Illumina Laboratory Services, Illumina
Classification: Benign for Familial hyperaldosteronism type III. Last evaluated: 2018-04-20. Review status: criteria provided, single submitter. Criteria: ICSL Variant Classification Criteria 13 December 2019. Collection method: clinical testing. Allele origin: germline.
Comment: This variant was observed in the ICSL laboratory as part of a predisposition screen in an ostensibly healthy population. It had not been previously curated by ICSL or reported in the Human Gene Mutation Database (HGMD: prior to June 1st, 2018), and was therefore a candidate for classification through an automated scoring system. Utilizing variant allele frequency, disease prevalence and penetrance estimates, and inheritance mode, an automated score was calculated to assess if this variant is too frequent to cause the disease. Based on the score and internal cut-off values, a variant classified as benign is not then subjected to further curation. The score for this variant resulted in a classification of benign for this disease.

NM_000890.5(KCNJ5):c.*795G>A

Gene: KCNJ5 (potassium inwardly rectifying channel subfamily J member 5; plus strand). Cytogenetic location: 11q24.3.
Variant type: single nucleotide variant.
Coding change: c.*795G>A on transcript NM_000890.5 (MANE Select); 795 bases downstream of the stop codon, G replaced by A.
Molecular consequence: 3 prime UTR variant.
Genome position (GRCh38, 1-based): chr11:128,917,526, G>A. VCF-style: chr11-128917526-G-A. GRCh37 (hg19) VCF-style: chr11-128787421-G-A.
Other names: c.*795G>A (NM_001354169.2).
Identifiers: ClinVar variation 877307 (VCV000877307.4), dbSNP rs141369146, ClinGen allele CA230583752.